The following is an entry in ClinVar:

ClinVar aggregate classification (germline): Pathogenic (1 of 4 stars; one submission).

Conditions:
Nephronophthisis. Also called: Juvenile Nephronophthisis. Identifiers: Orphanet 655, MedGen C0687120, MONDO:0019005, HP:0000090.

Submission:

Labcorp Genetics (formerly Invitae), Labcorp
Classification: Pathogenic for Nephronophthisis. Last evaluated: 2015-07-16. Review status: criteria provided, single submitter. Criteria: Invitae Variant Classification Sherloc (09022015). Collection method: clinical testing. Allele origin: germline.
Comment: A gross deletion of the genomic region encompassing the full coding sequence of the NPHP1 gene has been identified. This deletion extends to both edges of the assayed region, and the 5' and 3' boundaries of this event are not known. This variant was reported to segregate with Nephronophthisis in 15 families (PMID: 8852662) and has also been shown to segregate in one family with mild Joubert syndrome (PMID: 15138899). For these reasons, this variant has been classified as Pathogenic.

NM_000272.3(NPHP1):c.(?_-1)_(*1_?)del

Gene: NPHP1 (nephrocystin 1; minus strand). Cytogenetic location: 2q13.
Variant type: Deletion.
Coding change: c.(?_-1)_(*1_?)del on transcript NM_000272.3; a large deletion whose breakpoints are not mapped to the base.
Identifiers: ClinVar variation 224960 (VCV000224960.1).